The following is an entry in ClinVar:

ClinVar aggregate classification (germline): Uncertain significance (1 of 4 stars; one submission).

Submission:

GeneDx
Classification: Uncertain significance. Last evaluated: 2026-02-17. Review status: criteria provided, single submitter. Criteria: GeneDx Variant Classification Process June 2021. Collection method: clinical testing. Allele origin: germline.
Comment: Not observed at significant frequency in large population cohorts (gnomAD); In silico analysis suggests that this variant does not alter splicing; Has not been previously published as pathogenic or benign to our knowledge

NM_005422.4(TECTA):c.2817C>T (p.Cys939=)

Genes: TBCEL-TECTA (TBCEL-TECTA readthrough; plus strand), TECTA (tectorin alpha; plus strand), LOC126861365 (P300/CBP strongly-dependent group 1 enhancer GRCh37_chr11:121000154-121001353; plus strand). Cytogenetic location: 11q23.3.
Variant type: single nucleotide variant.
Coding change: c.2817C>T on transcript NM_005422.4 (MANE Select); coding-DNA position 2817, C replaced by T.
Protein change: p.Cys939=; no amino-acid change (cysteine 939 retained).
Molecular consequence: synonymous variant.
Genome position (GRCh38, 1-based): chr11:121,130,087, C>T. VCF-style: chr11-121130087-C-T. GRCh37 (hg19) VCF-style: chr11-121000796-C-T.
Other names: c.3774C>T, p.Cys1258= (NM_001378761.1).
Identifiers: ClinVar variation 4975622 (VCV004975622.1).
Genomic context (GRCh38, chr11:121,130,087, plus strand): 5'-CAACAGCTCCTTCCTGGAGTGCCATGGGGTGGTGAACGTCACTGCCTATTACCGCACCTG[C>T]CTTTTCCGCCTGTGCCAGAGTGGGGGCAATGAGTCAGAGCTCTGTGACTCTGTGGCCCGG-3'
Protein context (NP_005413.2, residues 929-949): VVNVTAYYRT[Cys939=]LFRLCQSGGN